The following is an entry in ClinVar:

NM_000222.3(KIT):c.571G>A (p.Glu191Lys)

Gene: KIT (KIT proto-oncogene, receptor tyrosine kinase; plus strand). Cytogenetic location: 4q12.
Variant type: single nucleotide variant.
Coding change: c.571G>A on transcript NM_000222.3 (MANE Select); coding-DNA position 571, G replaced by A.
Protein change: p.Glu191Lys; replaces glutamic acid 191 with lysine.
Molecular consequence: missense variant.
Genome position (GRCh38, 1-based): chr4:54,698,517, G>A. VCF-style: chr4-54698517-G-A. GRCh37 (hg19) VCF-style: chr4-55564683-G-A.
Other names: c.571G>A, p.Glu191Lys (NM_001093772.2, NM_001385284.1, NM_001385285.1 and 4 more transcripts); short protein forms E191K.
Identifiers: ClinVar variation 4752780 (VCV004752780.1).
Genomic context (GRCh38, chr4:54,698,517, plus strand): 5'-ATGATCAAAAGTGTGAAACGCGCCTACCATCGGCTCTGTCTGCATTGTTCTGTGGACCAG[G>A]AGGGCAAGTCAGTGCTGTCGGAAAAATTCATCCTGAAAGTGAGGCCAGGTACTGGCTCTT-3'
Protein context (NP_000213.1, residues 181-201): RLCLHCSVDQ[Glu191Lys]GKSVLSEKFI

ClinVar aggregate classification (germline): Uncertain significance (1 of 4 stars; one submission).

Conditions:
Gastrointestinal stromal tumor. Also called: Gastrointestinal stroma tumor; Gastrointestinal stromal tumor, somatic. Identifiers: Orphanet 44890, MedGen C0238198, MeSH D046152, MONDO:0011719, OMIM 606764, HP:0100723.

Submission:

Labcorp Genetics (formerly Invitae), Labcorp
Classification: Uncertain significance for Gastrointestinal stromal tumor. Last evaluated: 2025-04-19. Review status: criteria provided, single submitter. Criteria: Invitae Variant Classification Sherloc (09022015). Collection method: clinical testing. Allele origin: germline.
Comment: This sequence change replaces glutamic acid, which is acidic and polar, with lysine, which is basic and polar, at codon 191 of the KIT protein (p.Glu191Lys). This variant is not present in population databases (gnomAD no frequency). This variant has not been reported in the literature in individuals affected with KIT-related conditions. An algorithm developed to predict the effect of missense changes on protein structure and function outputs the following: PolyPhen-2: "Benign". The lysine amino acid residue is found in multiple mammalian species, which suggests that this missense change does not adversely affect protein function. In summary, the available evidence is currently insufficient to determine the role of this variant in disease. Therefore, it has been classified as a Variant of Uncertain Significance.